The following is an entry in ClinVar:

ClinVar aggregate classification (germline): Likely benign. Review status: criteria provided, multiple submitters, no conflicts (2 of 4 stars). 3 submissions from 3 submitters: Likely benign (2). 1 of the submissions does not count toward it. Last evaluated 2024-12-28.

Conditions:
DNAH11-related disorder. Also called: DNAH11-related condition.
Primary ciliary dyskinesia. Also called: Ciliary dyskinesia. Identifiers: Orphanet 244, MedGen C0008780, MONDO:0016575, HP:0012265.

gnomAD v4.1: 1 of 1,612,324 alleles (0.000062%); highest among the groups gnomAD compares: Non-Finnish European, 0.000085%; no homozygotes.

Submissions (3):

Ambry Genetics
Classification: Likely benign for Primary ciliary dyskinesia. Last evaluated: 2024-12-28. Review status: criteria provided, single submitter. Criteria: Ambry Variant Classification Scheme 2023. Collection method: clinical testing. Allele origin: germline.

Labcorp Genetics (formerly Invitae), Labcorp
Classification: Likely benign for Primary ciliary dyskinesia. Last evaluated: 2024-03-01. Review status: criteria provided, single submitter. Criteria: Invitae Variant Classification Sherloc (09022015). Collection method: clinical testing. Allele origin: germline.

PreventionGenetics, part of Exact Sciences
Classification: Likely benign for DNAH11-related condition. Last evaluated: 2022-04-07. Review status: no assertion criteria provided. Collection method: clinical testing. Allele origin: germline. Not counted in ClinVar's aggregate classification.
Comment: This variant is classified as likely benign based on ACMG/AMP sequence variant interpretation guidelines (Richards et al. 2015 PMID: 25741868, with internal and published modifications).

NM_001277115.2(DNAH11):c.6279C>A (p.Leu2093=)

Gene: DNAH11 (dynein axonemal heavy chain 11; plus strand). Cytogenetic location: 7p15.3.
Variant type: single nucleotide variant.
Coding change: c.6279C>A on transcript NM_001277115.2 (MANE Select); coding-DNA position 6279, C replaced by A.
Protein change: p.Leu2093=; no amino-acid change (leucine 2093 retained).
Molecular consequence: synonymous variant.
Genome position (GRCh38, 1-based): chr7:21,704,439, C>A. VCF-style: chr7-21704439-C-A. GRCh37 (hg19) VCF-style: chr7-21744057-C-A.
Other names: c.6300C>A, p.Leu2100= (NM_003777.3); c.6279C>A (NM_001277115.1).
Identifiers: ClinVar variation 2784670 (VCV002784670.6), dbSNP rs1192869606, ClinGen allele CA453964682.